The following is an entry in ClinVar:

ClinVar aggregate classification (germline): Uncertain significance. Review status: criteria provided, multiple submitters, no conflicts (2 of 4 stars). 9 submissions from 9 submitters: Uncertain significance (8). 1 of the submissions does not count toward it. Last evaluated 2026-09-08.

Conditions:
Hereditary cancer-predisposing syndrome. Also called: Neoplastic Syndromes, Hereditary; Hereditary neoplastic syndrome; Tumor predisposition; Hereditary Cancer Syndrome. Identifiers: Orphanet 140162, MedGen C0027672, MeSH D009386, MONDO:0015356.
Familial cancer of breast. Also called: hereditary breast carcinoma; Hereditary breast cancer; BREAST CANCER, FAMILIAL. Identifiers: Orphanet 227535, MedGen C0346153, MONDO:0016419, OMIM 114480. Disease mechanism: loss of function.
Ataxia-telangiectasia syndrome (AT). Also called: Ataxia telangiectasia (A-T); Cerebello-oculocutaneous telangiectasia; Immunodeficiency with ataxia telangiectasia; LOUIS-BAR SYNDROME; AT, COMPLEMENTATION GROUP C; ATAXIA-TELANGIECTASIA, FRESNO VARIANT. Identifiers: Orphanet 100, MedGen C0004135, MONDO:0008840, OMIM 208900.

Allele frequency attached by ClinVar (database versions not stated): gnomAD exomes below 0.00001; TOPMed below 0.00001; gnomAD 0.00001.
gnomAD v4.1: 5 of 1,613,966 alleles (0.00031%); highest among the groups gnomAD compares: Admixed American, 0.0017%; no homozygotes.

Submissions (9):

GeneDx
Classification: Uncertain significance. Last evaluated: 2026-09-08. Review status: criteria provided, single submitter. Criteria: GeneDx Variant Classification Process June 2021. Collection method: clinical testing. Allele origin: germline.
Comment: Not observed at significant frequency in large population cohorts (gnomAD); In silico analysis suggests that this missense variant does not alter protein structure/function; This variant is associated with the following publications: (PMID: 28481359, 35264596, 23532176, 33280026)

Ambry Genetics
Classification: Uncertain significance for Hereditary cancer-predisposing syndrome. Last evaluated: 2026-01-26. Review status: criteria provided, single submitter. Criteria: Ambry Variant Classification Scheme 2023. Collection method: clinical testing. Allele origin: germline.

Labcorp Genetics (formerly Invitae), Labcorp
Classification: Uncertain significance for Ataxia-telangiectasia syndrome. Last evaluated: 2025-12-08. Review status: criteria provided, single submitter. Criteria: Invitae Variant Classification Sherloc (09022015). Collection method: clinical testing. Allele origin: germline.
Comment: This sequence change replaces serine, which is neutral and polar, with leucine, which is neutral and non-polar, at codon 2283 of the ATM protein (p.Ser2283Leu). This variant is not present in population databases (gnomAD no frequency). This missense change has been observed in individual(s) with clinical features of hereditary cancer and breast cancer (PMID: 33280026, 35264596). ClinVar contains an entry for this variant (Variation ID: 233915). Invitae Evidence Modeling of protein sequence and biophysical properties (such as structural, functional, and spatial information, amino acid conservation, physicochemical variation, residue mobility, and thermodynamic stability) indicates that this missense variant is not expected to disrupt ATM protein function with a negative predictive value of 95%. In summary, the available evidence is currently insufficient to determine the role of this variant in disease. Therefore, it has been classified as a Variant of Uncertain Significance.

Quest Diagnostics Nichols Institute San Juan Capistrano
Classification: Uncertain significance. Last evaluated: 2025-09-30. Review status: criteria provided, single submitter. Criteria: Quest Diagnostics criteria. Collection method: clinical testing. Allele origin: unknown.

Color Diagnostics, LLC DBA Color Health
Classification: Uncertain significance for Hereditary cancer-predisposing syndrome. Last evaluated: 2025-03-11. Review status: criteria provided, single submitter. Criteria: ACMG Guidelines, 2015. Collection method: clinical testing. Allele origin: germline.
Comment: This missense variant replaces serine with leucine at codon 2283 of the ATM protein. Computational prediction suggests that this variant may not impact protein structure and function. To our knowledge, functional studies have not been reported for this variant. This variant has been reported in an individual affected with breast cancer (PMID: 35264596). This variant has not been identified in the general population by the Genome Aggregation Database (gnomAD). The available evidence is insufficient to determine the role of this variant in disease conclusively. Therefore, this variant is classified as a Variant of Uncertain Significance.

Baylor Genetics
Classification: Uncertain significance for Familial cancer of breast. Last evaluated: 2024-03-25. Review status: criteria provided, single submitter. Criteria: ACMG Guidelines, 2015. Collection method: clinical testing. Allele origin: unknown.

Spanish ATM Cancer Susceptibility Variant Interpretation Working Group
Classification: Uncertain significance for Hereditary cancer-predisposing syndrome. Last evaluated: 2020-06-17. Review status: criteria provided, single submitter. Criteria: Feliubadaló L et al. (Clin Chem 2021). Collection method: clinical testing. Allele origin: germline. Affected: yes. Observed: 2 heterozygotes. Clinical features observed: Ovarian serous tumor, Keratoacanthoma.
Comment: The c.6848C>T (p.Ser2283Leu) variant is absent from the gnomAD v2.1.1 non-cancer dataset, in a position with adequate coverage (>20x) (PM2). It is not predicted to lead to a splicing alteration according to SPiCE, and no splicing site is created or activated according to at least 3 splicing predictors of the set SpliceSiteFinderlike - MaxEntScan - NNSplice - GeneSplicer. Also, this missense variant does not alter the protein function / structure on the in-silico prediction reports of REVEL and PROVEAN (BP4). There is no other supporting data that meet criteria for consideration. Therefore, the clinical significance of this variant is uncertain. Adapted ACMG/AMP rules applied as defined by the Spanish ATM working group: PM2 + BP4 (PMID: 33280026).

Mendelics
Classification: Uncertain significance for Ataxia-telangiectasia syndrome. Last evaluated: 2018-07-02. Review status: criteria provided, single submitter. Criteria: Mendelics Assertion Criteria 2017. Collection method: clinical testing. Allele origin: unknown.

Natera, Inc.
Classification: Uncertain significance for Ataxia-telangiectasia. Last evaluated: 2020-09-16. Review status: no assertion criteria provided. Collection method: clinical testing. Allele origin: germline. Not counted in ClinVar's aggregate classification.

Literature cited by the submitters: PubMed 33280026 (cited by Labcorp Genetics (formerly Invitae), Labcorp); PubMed 35264596 (cited by Labcorp Genetics (formerly Invitae), Labcorp and Color Diagnostics, LLC DBA Color Health).

NM_000051.4(ATM):c.6848C>T (p.Ser2283Leu)

Genes: ATM (ATM serine/threonine kinase; plus strand), C11orf65 (chromosome 11 open reading frame 65; minus strand). Cytogenetic location: 11q22.3.
Variant type: single nucleotide variant.
Coding change: c.6848C>T on transcript NM_000051.4 (MANE Select); coding-DNA position 6848, C replaced by T.
Protein change: p.Ser2283Leu; replaces serine 2283 with leucine.
Molecular consequence: missense variant. On other transcripts: intron variant (2).
Genome position (GRCh38, 1-based): chr11:108,326,098, C>T. VCF-style: chr11-108326098-C-T. GRCh37 (hg19) VCF-style: chr11-108196825-C-T.
Other names: c.6848C>T, p.Ser2283Leu (NM_001351834.2); c.641-17027G>A (NM_001330368.2); c.*38+9122G>A (NM_001351110.2); short protein forms S2283L.
Identifiers: ClinVar variation 233915 (VCV000233915.26), dbSNP rs876660730, ClinGen allele CA10579237.